The following is an entry in ClinVar:

NM_182925.5(FLT4):c.3563C>T (p.Pro1188Leu)

Gene: FLT4 (fms related receptor tyrosine kinase 4; minus strand). Cytogenetic location: 5q35.3.
Variant type: single nucleotide variant.
Coding change: c.3563C>T on transcript NM_182925.5 (MANE Select); coding-DNA position 3563, C replaced by T.
Protein change: p.Pro1188Leu; replaces proline 1188 with leucine.
Molecular consequence: missense variant.
Genome position (GRCh38, 1-based): chr5:180,611,454, G>A on the plus strand (C>T on the coding strand, the complement: FLT4 is on the minus strand). VCF-style: chr5-180611454-G-A. GRCh37 (hg19) VCF-style: chr5-180038454-G-A.
Other names: c.3563C>T, p.Pro1188Leu (NM_001354989.2, NM_002020.5); short protein forms P1188L.
Identifiers: ClinVar variation 3904820 (VCV003904820.10).
Genomic context (GRCh38, chr5:180,611,454, plus strand): 5'-TGTAGGGCCATGGTGGACACCTGCGAGAAGCTGCCCTCTTCTGAGCTCTGAGAGCTGCGC[G>A]GGGCCATGCAGACCTCCTCTTCCTCCTGGCGGGAACAGGAGAGGCAGCCAGGCCAGAAAC-3'
Protein context (NP_891555.2, residues 1178-1198): LQEEEEVCMA[Pro1188Leu]RSSQSSEEGS

ClinVar aggregate classification (germline): Likely benign (1 of 4 stars; one submission).

gnomAD v4.1: 17 of 1,613,818 alleles (0.0011%); highest among the groups gnomAD compares: African/African-American, 0.004%; no homozygotes.

Submission:

CeGaT Center for Human Genetics Tuebingen
Classification: Likely benign. Last evaluated: 2025-05-01. Review status: criteria provided, single submitter. Criteria: CeGaT Center For Human Genetics Tuebingen Variant Classification Criteria Version 2. Collection method: clinical testing. Allele origin: germline. Affected: yes. Observed: 1 variant allele.
Comment: FLT4: BP4